The following is an entry in ClinVar:

NM_001353921.2(ARHGEF9):c.92A>G (p.Asn31Ser)

Gene: ARHGEF9 (Cdc42 guanine nucleotide exchange factor 9; minus strand). Cytogenetic location: Xq11.1.
Variant type: single nucleotide variant.
Coding change: c.92A>G on transcript NM_001353921.2 (MANE Select); coding-DNA position 92, A replaced by G.
Protein change: p.Asn31Ser; replaces asparagine 31 with serine.
Molecular consequence: missense variant. On other transcripts: 5 prime UTR variant (2), intron variant (6).
Genome position (GRCh38, 1-based): chrX:63,724,650, T>C on the plus strand (A>G on the coding strand, the complement: ARHGEF9 is on the minus strand). VCF-style: chrX-63724650-T-C. GRCh37 (hg19) VCF-style: chrX-62944530-T-C.
Other names: c.8A>G, p.Asn3Ser (NM_001330495.2, NM_001353927.2, NM_001369033.1 and 8 more transcripts); c.92A>G, p.Asn31Ser (NM_001353922.2); c.110A>G, p.Asn37Ser (NM_001353923.1); c.71A>G, p.Asn24Ser (NM_001353928.2, NM_001369030.1, NM_001369031.1 and 2 more transcripts); c.-372A>G (NM_001369042.1); c.-612A>G (NM_001369045.1); c.31-18201A>G (NM_001173479.2); c.10-18201A>G (NM_001369040.1, NM_001369039.1, NM_001353926.2 and 1 more transcripts); and 1 more; short protein forms N24S, N31S, N3S, N37S.
Identifiers: ClinVar variation 947476 (VCV000947476.10), dbSNP rs1431530716, ClinGen allele CA413404331.

ClinVar aggregate classification (germline): Uncertain significance (1 of 4 stars; one submission).

Conditions:
Developmental and epileptic encephalopathy, 8 (DEE8). Also called: HYPEREKPLEXIA AND EPILEPSY. Identifiers: Orphanet 163985, Orphanet 2076, MedGen C1845102, MONDO:0010375, OMIM 300607.

Allele frequency attached by ClinVar (database versions not stated): gnomAD exomes below 0.00001 and 0.00001; TOPMed 0.00001.
gnomAD v4.1: 3 of 1,209,403 alleles (0.00025%); highest among the groups gnomAD compares: Non-Finnish European, 0.00034%; no homozygotes.

Submission:

Labcorp Genetics (formerly Invitae), Labcorp
Classification: Uncertain significance for Developmental and epileptic encephalopathy, 8. Last evaluated: 2024-02-24. Review status: criteria provided, single submitter. Criteria: Invitae Variant Classification Sherloc (09022015). Collection method: clinical testing. Allele origin: germline.
Comment: This sequence change replaces asparagine, which is neutral and polar, with serine, which is neutral and polar, at codon 24 of the ARHGEF9 protein (p.Asn24Ser). This variant is present in population databases (no rsID available, gnomAD 0.002%), including at least one homozygous and/or hemizygous individual. This variant has not been reported in the literature in individuals affected with ARHGEF9-related conditions. ClinVar contains an entry for this variant (Variation ID: 947476). Advanced modeling of protein sequence and biophysical properties (such as structural, functional, and spatial information, amino acid conservation, physicochemical variation, residue mobility, and thermodynamic stability) performed at Invitae indicates that this missense variant is not expected to disrupt ARHGEF9 protein function with a negative predictive value of 80%. In summary, the available evidence is currently insufficient to determine the role of this variant in disease. Therefore, it has been classified as a Variant of Uncertain Significance.